The following is an entry in ClinVar:

NM_032808.7(LINGO1):c.147C>T (p.Ser49=)

Gene: LINGO1 (leucine rich repeat and Ig domain containing 1; minus strand). Cytogenetic location: 15q24.3.
Variant type: single nucleotide variant.
Coding change: c.147C>T on transcript NM_032808.7 (MANE Select); coding-DNA position 147, C replaced by T.
Protein change: p.Ser49=; no amino-acid change (serine 49 retained).
Molecular consequence: synonymous variant.
Genome position (GRCh38, 1-based): chr15:77,615,760, G>A on the plus strand (C>T on the coding strand, the complement: LINGO1 is on the minus strand). VCF-style: chr15-77615760-G-A. GRCh37 (hg19) VCF-style: chr15-77908102-G-A.
Other names: c.129C>T, p.Ser43= (NM_001301186.2, NM_001301187.2, NM_001301189.2 and 8 more transcripts).
Identifiers: ClinVar variation 3043983 (VCV003043983.2), dbSNP rs377521757, ClinGen allele CA7678021.
Genomic context (GRCh38, chr15:77,615,760, plus strand): 5'-GATGCCCTCGGGGACTGCCACAAAGCGCTTGCGGTGGCACAGCACAGCGCGGTCCTGGGC[G>A]GAGCACTCGCAGCGGGGCGGGCAGCCCGTGGCCGAGCCTGACAGCACTGAGCCCAGCACC-3'
Protein context (NP_116197.4, residues 39-59): ATGCPPRCEC[Ser49=]AQDRAVLCHR

ClinVar aggregate classification (germline): Likely benign (0 of 4 stars; one submission).

Conditions:
LINGO1-related disorder. Also called: LINGO1-related condition.

Allele frequency attached by ClinVar (database versions not stated): gnomAD exomes 0.00009; ExAC 0.00029; 1000 Genomes Project 30x 0.00031; ESP Exome Variant Server 0.00048; gnomAD 0.00072; TOPMed 0.00088.
gnomAD v4.1: 261 of 1,582,228 alleles (0.016%); highest among the groups gnomAD compares: African/African-American, 0.22%; 1 homozygote.

Submission:

PreventionGenetics, part of Exact Sciences
Classification: Likely benign for LINGO1-related condition. Last evaluated: 2019-06-06. Review status: no assertion criteria provided. Collection method: clinical testing. Allele origin: germline.
Comment: This variant is classified as likely benign based on ACMG/AMP sequence variant interpretation guidelines (Richards et al. 2015 PMID: 25741868, with internal and published modifications).